The following is an entry in ClinVar:

NM_000535.7(PMS2):c.2520del (p.Trp841fs)

Gene: PMS2 (PMS1 homolog 2, mismatch repair system component; minus strand). Cytogenetic location: 7p22.1.
Variant type: Deletion.
Coding change: c.2520del on transcript NM_000535.7 (MANE Select); coding-DNA position 2520, one base deleted (C; older notation c.2520delC).
Protein change: p.Trp841fs; shifts the reading frame from tryptophan 841.
Molecular consequence: frameshift variant. On other transcripts: non-coding transcript variant (1).
Genome position (GRCh38, 1-based): chr7:5,973,468, G deleted on the plus strand (C on the coding strand, the reverse complement: PMS2 is on the minus strand); the first of 4 consecutive G bases (chr7:5,973,468-5,973,471); deleting any one gives the same sequence. VCF-style (leftmost placement, unchanged base first): chr7-5973467-AG-A. GRCh37 (hg19) VCF-style: chr7-6013098-AG-A.
Other names: c.2211del, p.Trp738fs (NM_001406880.1, NM_001406881.1, NM_001406882.1 and 4 more transcripts); c.2202del, p.Trp735fs (NM_001406883.1, NM_001322007.2, NM_001322008.2); c.2196del, p.Trp733fs (NM_001406884.1); c.2184del, p.Trp729fs (NM_001406885.1); c.2154del, p.Trp719fs (NM_001406886.1); c.2148del, p.Trp717fs (NM_001406887.1, NM_001406888.1, NM_001322009.2); c.2115del, p.Trp706fs (NM_001406889.1, NM_001406890.1, NM_001406891.1 and 11 more transcripts); c.2055del, p.Trp686fs (NM_001406900.1); and 20 more; short protein forms W440fs, W530fs, W584fs, W602fs, W650fs, W654fs, W670fs, W679fs.
Identifiers: ClinVar variation 4856775 (VCV004856775.1).

ClinVar aggregate classification (germline): Pathogenic (1 of 4 stars; one submission).

Conditions:
Lynch syndrome 4 (LYNCH4). Also called: Colorectal cancer, hereditary nonpolyposis, type 4; Hereditary non-polyposis colorectal cancer, type 4. Identifiers: Orphanet 144, MedGen C1838333, MONDO:0013699, OMIM 614337. Disease mechanism: loss of function.

Submission:

Myriad Genetics, Inc.
Classification: Pathogenic for Lynch syndrome 4. Last evaluated: 2026-03-27. Review status: criteria provided, single submitter. Criteria: Myriad Autosomal Dominant, Autosomal Recessive and X-Linked Classification Criteria (2023). Collection method: clinical testing. Allele origin: unknown.
Comment: This variant is considered pathogenic. This variant creates a frameshift predicted to result in premature protein truncation. This variant has been reported in an individual with clinical features of gene-specific disease [PMID: 30764633].

Literature cited by the submitters: PubMed 30764633.